The following is an entry in ClinVar:

NM_000051.4(ATM):c.8608_8650dup (p.Glu2884delinsGlyTer)

Genes: ATM (ATM serine/threonine kinase; plus strand), C11orf65 (chromosome 11 open reading frame 65; minus strand). Cytogenetic location: 11q22.3.
Variant type: Duplication.
Coding change: c.8608_8650dup on transcript NM_000051.4 (MANE Select); coding-DNA positions 8608 to 8650, 43 bases duplicated.
Protein change: p.Glu2884delinsGlyTer.
Molecular consequence: nonsense. On other transcripts: intron variant (2).
Genome position (GRCh38, 1-based): chr11:108,347,302-108,347,344, 43 bases duplicated. GRCh37 (hg19): chr11:108,218,029-108,218,071.
Other names: c.695-12052_695-12010dup (NM_001351110.2); c.641-38273_641-38231dup (NM_001330368.2); c.8608_8650dup, p.Glu2884delinsGlyTer (NM_001351834.2).
Identifiers: ClinVar variation 654964 (VCV000654964.8), dbSNP rs1591273850, ClinGen allele CA915948331.

ClinVar aggregate classification (germline): Pathogenic (1 of 4 stars; one submission).

Conditions:
Ataxia-telangiectasia syndrome (AT). Also called: Ataxia-telangiectasia, complementation group D; AT, COMPLEMENTATION GROUP C; ATAXIA-TELANGIECTASIA, COMPLEMENTATION GROUP A; ATAXIA-TELANGIECTASIA, FRESNO VARIANT; Ataxia-telangiectasia; LOUIS-BAR SYNDROME. Identifiers: Orphanet 100, MedGen C0004135, MONDO:0008840, OMIM 208900.

Submission:

Labcorp Genetics (formerly Invitae), Labcorp
Classification: Pathogenic for Ataxia-telangiectasia syndrome. Last evaluated: 2025-08-11. Review status: criteria provided, single submitter. Criteria: Invitae Variant Classification Sherloc (09022015). Collection method: clinical testing. Allele origin: germline.
Comment: This sequence change creates a premature translational stop signal (p.Glu2884Glyfs*2) in the ATM gene. It is expected to result in an absent or disrupted protein product. Loss-of-function variants in ATM are known to be pathogenic (PMID: 23807571, 25614872). This variant is not present in population databases (gnomAD no frequency). This variant has not been reported in the literature in individuals affected with ATM-related conditions. ClinVar contains an entry for this variant (Variation ID: 654964). For these reasons, this variant has been classified as Pathogenic.

Literature cited by the submitters: PubMed 23807571; PubMed 25614872.